The following is an entry in ClinVar:

NM_000395.3(CSF2RB):c.1218C>T (p.Thr406=)

Gene: CSF2RB (colony stimulating factor 2 receptor subunit beta; plus strand). Cytogenetic location: 22q12.3.
Variant type: single nucleotide variant.
Coding change: c.1218C>T on transcript NM_000395.3 (MANE Select); coding-DNA position 1218, C replaced by T.
Protein change: p.Thr406=; no amino-acid change (threonine 406 retained).
Molecular consequence: synonymous variant.
Genome position (GRCh38, 1-based): chr22:36,933,897, C>T. VCF-style: chr22-36933897-C-T. GRCh37 (hg19) VCF-style: chr22-37329939-C-T.
Other names: c.1218C>T (NM_000395.2).
Identifiers: ClinVar variation 1549686 (VCV001549686.9), dbSNP rs138263105, ClinGen allele CA10213748.

ClinVar aggregate classification (germline): Likely benign. Review status: criteria provided, single submitter (1 of 4 stars). 2 submissions from 2 submitters: Likely benign (1). 1 of the submissions does not count toward it. Last evaluated 2025-12-22.

Conditions:
CSF2RB-related disorder. Also called: CSF2RB-related condition.

Allele frequency attached by ClinVar (database versions not stated): gnomAD exomes 0.00003; ExAC 0.00011; 1000 Genomes Project 0.00020; 1000 Genomes Project 30x 0.00031; TOPMed 0.00049; gnomAD 0.00061 and 0.00066; ESP Exome Variant Server 0.00062.
gnomAD v4.1: 141 of 1,611,912 alleles (0.0087%); highest among the groups gnomAD compares: African/African-American, 0.16%; no homozygotes.

Submissions (2):

Labcorp Genetics (formerly Invitae), Labcorp
Classification: Likely benign. Last evaluated: 2025-12-22. Review status: criteria provided, single submitter. Criteria: Invitae Variant Classification Sherloc (09022015). Collection method: clinical testing. Allele origin: germline.

PreventionGenetics, part of Exact Sciences
Classification: Likely benign for CSF2RB-related condition. Last evaluated: 2024-09-10. Review status: no assertion criteria provided. Collection method: clinical testing. Allele origin: germline. Not counted in ClinVar's aggregate classification.
Comment: This variant is classified as likely benign based on ACMG/AMP sequence variant interpretation guidelines (Richards et al. 2015 PMID: 25741868, with internal and published modifications).